The following is an entry in ClinVar:

NM_000827.4(GRIA1):c.1687T>G (p.Tyr563Asp)

Gene: GRIA1 (glutamate ionotropic receptor AMPA type subunit 1; plus strand). Cytogenetic location: 5q33.2.
Variant type: single nucleotide variant.
Coding change: c.1687T>G on transcript NM_000827.4 (MANE Select); coding-DNA position 1687, T replaced by G.
Protein change: p.Tyr563Asp; replaces tyrosine 563 with aspartic acid.
Molecular consequence: missense variant. On other transcripts: non-coding transcript variant (2).
Genome position (GRCh38, 1-based): chr5:153,705,931, T>G. VCF-style: chr5-153705931-T-G. GRCh37 (hg19) VCF-style: chr5-153085491-T-G.
Other names: c.1687T>G, p.Tyr563Asp (NM_001114183.2); c.1447T>G, p.Tyr483Asp (NM_001258019.2); c.1402T>G, p.Tyr468Asp (NM_001258020.2); c.1717T>G, p.Tyr573Asp (NM_001258021.2, NM_001258022.2); c.1480T>G, p.Tyr494Asp (NM_001258023.1, NM_001364167.2); c.1519T>G, p.Tyr507Asp (NM_001364165.2); c.1714T>G, p.Tyr572Asp (NM_001364166.2); short protein forms Y494D, Y573D, Y483D, Y507D, Y563D, Y468D, Y572D.
Identifiers: ClinVar variation 931543 (VCV000931543.3), dbSNP rs1758859643, ClinGen allele CA361908818.

ClinVar aggregate classification (germline): Uncertain significance (1 of 4 stars; one submission).

Submission:

Centre for Mendelian Genomics, University Medical Centre Ljubljana
Classification: Uncertain significance. Last evaluated: 2019-06-26. Review status: criteria provided, single submitter. Criteria: ACMG Guidelines, 2015. Collection method: clinical testing. Allele origin: unknown. Affected: yes.
Comment: This variant was classified as: Uncertain significance. The available evidence on this variant's pathogenicity is insufficient or conflicting. The following ACMG criteria were applied in classifying this variant: PM2,PP3.